The following is an entry in ClinVar:

ClinVar aggregate classification (germline): Uncertain significance. Review status: criteria provided, multiple submitters, no conflicts (2 of 4 stars). 2 submissions from 2 submitters: Uncertain significance (2). Last evaluated 2022-03-11.

Conditions:
Polycystic kidney disease 3 with or without polycystic liver disease. Also called: Polycystic Kidney and/or Polycystic Liver Disease 3; Polycystic kidney disease 3; POLYCYSTIC KIDNEY DISEASE, ADULT, TYPE III. Identifiers: MedGen C3887964, MONDO:0010916, OMIM 600666.

Allele frequency attached by ClinVar (database versions not stated): ExAC 0.00012; gnomAD exomes 0.00004 and 0.00009; gnomAD 0.00001; TOPMed 0.00001.
gnomAD v4.1: 24 of 1,613,438 alleles (0.0015%); highest among the groups gnomAD compares: Admixed American, 0.04%; 1 homozygote.

Submissions (2):

Fulgent Genetics
Classification: Uncertain significance for Polycystic kidney disease 3 with or without polycystic liver disease. Last evaluated: 2022-03-11. Review status: criteria provided, single submitter. Criteria: ACMG Guidelines, 2015. Collection method: clinical testing. Allele origin: unknown.

GeneDx
Classification: Uncertain significance. Last evaluated: 2020-10-22. Review status: criteria provided, single submitter. Criteria: GeneDx Variant Classification Process June 2021. Collection method: clinical testing. Allele origin: germline. Affected: yes.
Comment: In silico analysis supports that this missense variant has a deleterious effect on protein structure/function; Has not been previously published as pathogenic or benign to our knowledge

NM_198334.3(GANAB):c.2177T>C (p.Met726Thr)

Gene: GANAB (glucosidase II alpha subunit; minus strand). Cytogenetic location: 11q12.3.
Variant type: single nucleotide variant.
Coding change: c.2177T>C on transcript NM_198334.3 (MANE Select); coding-DNA position 2177, T replaced by C.
Protein change: p.Met726Thr; replaces methionine 726 with threonine.
Molecular consequence: missense variant.
Genome position (GRCh38, 1-based): chr11:62,628,772, A>G on the plus strand (T>C on the coding strand, the complement: GANAB is on the minus strand). VCF-style: chr11-62628772-A-G. GRCh37 (hg19) VCF-style: chr11-62396244-A-G.
Other names: c.1901T>C, p.Met634Thr (NM_001278192.2); c.1835T>C, p.Met612Thr (NM_001278193.2); c.1886T>C, p.Met629Thr (NM_001278194.2, NM_001329222.2, NM_001329223.2); c.1454T>C, p.Met485Thr (NM_001329224.2, NM_001329225.2); c.2243T>C, p.Met748Thr (NM_198335.4); short protein forms M485T, M612T, M629T, M634T, M726T, M748T.
Identifiers: ClinVar variation 1313542 (VCV001313542.3), dbSNP rs772357517, ClinGen allele CA6050568.